The following is an entry in ClinVar:

ClinVar aggregate classification (germline): Uncertain significance (1 of 4 stars; one submission).

Conditions:
Syndromic multisystem autoimmune disease due to ITCH deficiency. Also called: AUTOIMMUNE DISEASE, MULTISYSTEM, WITH FACIAL DYSMORPHISM. Identifiers: Orphanet 228426, MedGen C3150649, MONDO:0013245, OMIM 613385.

Submission:

Labcorp Genetics (formerly Invitae), Labcorp
Classification: Uncertain significance for Syndromic multisystem autoimmune disease due to ITCH deficiency. Last evaluated: 2021-02-01. Review status: criteria provided, single submitter. Criteria: Invitae Variant Classification Sherloc (09022015). Collection method: clinical testing. Allele origin: germline.
Comment: In summary, the available evidence is currently insufficient to determine the role of this variant in disease. Therefore, it has been classified as a Variant of Uncertain Significance. Algorithms developed to predict the effect of missense changes on protein structure and function are either unavailable or do not agree on the potential impact of this missense change (SIFT: "Not Available"; PolyPhen-2: "Possibly Damaging"; Align-GVGD: "Not Available"). This variant has not been reported in the literature in individuals with ITCH-related conditions. This variant is not present in population databases (ExAC no frequency). This sequence change replaces lysine with glutamic acid at codon 576 of the ITCH protein (p.Lys576Glu). The lysine residue is highly conserved and there is a small physicochemical difference between lysine and glutamic acid.

NM_031483.7(ITCH):c.1726A>G (p.Lys576Glu)

Gene: ITCH (itchy E3 ubiquitin protein ligase; plus strand). Cytogenetic location: 20q11.22.
Variant type: single nucleotide variant.
Coding change: c.1726A>G on transcript NM_031483.7 (MANE Select); coding-DNA position 1726, A replaced by G.
Protein change: p.Lys576Glu; replaces lysine 576 with glutamic acid.
Molecular consequence: missense variant.
Genome position (GRCh38, 1-based): chr20:34,479,697, A>G. VCF-style: chr20-34479697-A-G. GRCh37 (hg19) VCF-style: chr20-33067502-A-G.
Other names: c.1849A>G, p.Lys617Glu (NM_001257137.3, NM_001324197.2); c.1396A>G, p.Lys466Glu (NM_001257138.3); c.1726A>G, p.Lys576Glu (NM_001324198.2); short protein forms K466E, K576E, K617E.
Identifiers: ClinVar variation 1368567 (VCV001368567.6), dbSNP rs2146465810, ClinGen allele CA408669550.